The following is an entry in ClinVar:

ClinVar aggregate classification (germline): Uncertain significance. Review status: criteria provided, multiple submitters, no conflicts (2 of 4 stars). 3 submissions from 3 submitters: Uncertain significance (3). Last evaluated 2023-12-18.

Conditions:
Autosomal recessive ataxia, Beauce type. Also called: Spinocerebellar ataxia, autosomal recessive 8; ATAXIA, RECESSIVE, OF BEAUCE; SYNE1 Deficiency; SYNE1-Related Autosomal Recessive Cerebellar Ataxia. Identifiers: Orphanet 88644, MedGen C1853116, MONDO:0012549, OMIM 610743.
Emery-Dreifuss muscular dystrophy 4, autosomal dominant (EDMD4). Also called: EMERY-DREIFUSS MUSCULAR DYSTROPHY 4 WITH VARIABLE FEATURES. Identifiers: Orphanet 261, MedGen C2751807, MONDO:0013071, OMIM 612998.

Allele frequency attached by ClinVar (database versions not stated): gnomAD 0.00003.
gnomAD v4.1: 7 of 1,613,992 alleles (0.00043%); highest among the groups gnomAD compares: Admixed American, 0.01%; no homozygotes.

Submissions (3):

Labcorp Genetics (formerly Invitae), Labcorp
Classification: Uncertain significance for Emery-Dreifuss muscular dystrophy 4, autosomal dominant; Autosomal recessive ataxia, Beauce type. Last evaluated: 2023-12-18. Review status: criteria provided, single submitter. Criteria: Invitae Variant Classification Sherloc (09022015). Collection method: clinical testing. Allele origin: germline.
Comment: This sequence change replaces glutamic acid, which is acidic and polar, with lysine, which is basic and polar, at codon 6186 of the SYNE1 protein (p.Glu6186Lys). This variant is present in population databases (rs551488589, gnomAD 0.01%). This variant has not been reported in the literature in individuals affected with SYNE1-related conditions. ClinVar contains an entry for this variant (Variation ID: 286572). An algorithm developed to predict the effect of missense changes on protein structure and function (PolyPhen-2) suggests that this variant is likely to be disruptive. In summary, the available evidence is currently insufficient to determine the role of this variant in disease. Therefore, it has been classified as a Variant of Uncertain Significance.

Revvity Omics, Revvity
Classification: Uncertain significance. Last evaluated: 2023-03-15. Review status: criteria provided, single submitter. Criteria: ACMG Guidelines, 2015. Collection method: clinical testing. Allele origin: germline.

Eurofins Ntd Llc (ga)
Classification: Uncertain significance. Last evaluated: 2016-03-10. Review status: criteria provided, single submitter. Criteria: EGL Classification Definitions 2015. Collection method: clinical testing. Allele origin: germline. Observed: 1 variant allele, 1 heterozygote.

NM_182961.4(SYNE1):c.18769G>A (p.Glu6257Lys)

Gene: SYNE1 (spectrin repeat containing nuclear envelope protein 1; minus strand). Cytogenetic location: 6q25.2.
Variant type: single nucleotide variant.
Coding change: c.18769G>A on transcript NM_182961.4 (MANE Select); coding-DNA position 18769, G replaced by A.
Protein change: p.Glu6257Lys; replaces glutamic acid 6257 with lysine.
Molecular consequence: missense variant.
Genome position (GRCh38, 1-based): chr6:152,268,102, C>T on the plus strand (G>A on the coding strand, the complement: SYNE1 is on the minus strand). VCF-style: chr6-152268102-C-T. GRCh37 (hg19) VCF-style: chr6-152589237-C-T.
Other names: c.18556G>A (NM_033071.3); c.18556G>A, p.Glu6186Lys (NM_033071.5); short protein forms E6257K, E6186K.
Identifiers: ClinVar variation 286572 (VCV000286572.10), dbSNP rs551488589, ClinGen allele CA4054859.